The following is an entry in ClinVar:

NM_153460.4(IL17RC):c.126G>C (p.Trp42Cys)

Gene: IL17RC (interleukin 17 receptor C; plus strand). Cytogenetic location: 3p25.3.
Variant type: single nucleotide variant.
Coding change: c.126G>C on transcript NM_153460.4 (MANE Select); coding-DNA position 126, G replaced by C.
Protein change: p.Trp42Cys; replaces tryptophan 42 with cysteine.
Molecular consequence: missense variant. On other transcripts: non-coding transcript variant (1).
Genome position (GRCh38, 1-based): chr3:9,917,733, G>C. VCF-style: chr3-9917733-G-C. GRCh37 (hg19) VCF-style: chr3-9959417-G-C.
Other names: c.126G>C, p.Trp42Cys (NM_001203263.2, NM_001203264.2, NM_001203265.2 and 5 more transcripts); c.339G>C, p.Trp113Cys (NM_153461.4); short protein forms W113C, W42C.
Identifiers: ClinVar variation 3010485 (VCV003010485.3), dbSNP rs374603469, ClinGen allele CA2246719.
Genomic context (GRCh38, chr3:9,917,733, plus strand): 5'-TGGGGGCACAAATTCTGACTCTCCTTTCTTTCCTTCCCAGGGCCTCTCCTGCCGCCTCTG[G>C]GGTAAGTATCCCTACTTTTAAAAAGAATTTCCCAGGTTGGCCGAAGGGAGCAGAGCTGTC-3'
Protein context (NP_703190.2, residues 32-52): HCSPGLSCRL[Trp42Cys]DSDILCLPGD

ClinVar aggregate classification (germline): Uncertain significance (1 of 4 stars; one submission).

Conditions:
Candidiasis, familial, 9 (CANDF9). Identifiers: Orphanet 1334, MedGen C4225324, MONDO:0014642, OMIM 616445.

Allele frequency attached by ClinVar (database versions not stated): ExAC 0.00001; gnomAD 0.00001; TOPMed 0.00002; ESP Exome Variant Server 0.00008.
gnomAD v4.1: 3 of 1,613,590 alleles (0.00019%); highest among the groups gnomAD compares: Non-Finnish European, 0.00025%; no homozygotes.

Submission:

Labcorp Genetics (formerly Invitae), Labcorp
Classification: Uncertain significance for Candidiasis, familial, 9. Last evaluated: 2023-01-20. Review status: criteria provided, single submitter. Criteria: Invitae Variant Classification Sherloc (09022015). Collection method: clinical testing. Allele origin: germline.
Comment: In summary, the available evidence is currently insufficient to determine the role of this variant in disease. Therefore, it has been classified as a Variant of Uncertain Significance. Algorithms developed to predict the effect of missense changes on protein structure and function are either unavailable or do not agree on the potential impact of this missense change (SIFT: "Deleterious"; PolyPhen-2: "Possibly Damaging"; Align-GVGD: "Class C0"). This variant has not been reported in the literature in individuals affected with IL17RC-related conditions. This variant is present in population databases (rs374603469, gnomAD 0.002%). This sequence change replaces tryptophan, which is neutral and slightly polar, with cysteine, which is neutral and slightly polar, at codon 113 of the IL17RC protein (p.Trp113Cys).